The following is an entry in ClinVar:

ClinVar aggregate classification (germline): Uncertain significance (1 of 4 stars; one submission).

Conditions:
Inborn genetic diseases. Identifiers: MedGen C0950123, MeSH D030342.

Submission:

Ambry Genetics
Classification: Uncertain significance for Inborn genetic diseases. Last evaluated: 2026-09-09. Review status: criteria provided, single submitter. Criteria: Ambry Variant Classification Scheme 2023. Collection method: clinical testing. Allele origin: germline.
Comment: The c.1492C>T (p.R498W) alteration is located in exon 14 (coding exon 14) of the FUS gene. This alteration results from a C to T substitution at nucleotide position 1492, causing the arginine (R) at amino acid position 498 to be replaced by a tryptophan (W). Based on data from gnomAD, the T allele has an overall frequency of <0.001% (1/248150) total alleles studied. The highest observed frequency was 0.001% (1/111880) of European (non-Finnish) alleles. Based on insufficient or conflicting evidence, the clinical significance of this alteration remains unclear.

NM_004960.4(FUS):c.1492C>T (p.Arg498Trp)

Gene: FUS (FUS DNA/RNA binding protein; plus strand). Cytogenetic location: 16p11.2.
Variant type: single nucleotide variant.
Coding change: c.1492C>T on transcript NM_004960.4 (MANE Select); coding-DNA position 1492, C replaced by T.
Protein change: p.Arg498Trp; replaces arginine 498 with tryptophan.
Molecular consequence: missense variant. On other transcripts: non-coding transcript variant (1).
Genome position (GRCh38, 1-based): chr16:31,191,061, C>T. VCF-style: chr16-31191061-C-T. GRCh37 (hg19) VCF-style: chr16-31202382-C-T.
Other names: c.1489C>T, p.Arg497Trp (NM_001170634.1); c.1480C>T, p.Arg494Trp (NM_001170937.1); short protein forms R498W, R494W, R497W.
Identifiers: ClinVar variation 5022066 (VCV005022066.1).